The following is an entry in ClinVar:

ClinVar aggregate classification (germline): Likely benign (1 of 4 stars; one submission).

Submission:

GeneDx
Classification: Likely benign. Last evaluated: 2020-02-03. Review status: criteria provided, single submitter. Criteria: GeneDx Variant Classification Process June 2021. Collection method: clinical testing. Allele origin: germline. Affected: yes.
Comment: See Variant Classification Assertion Criteria.

NM_012388.4(BLOC1S6):c.83-45del

Gene: BLOC1S6 (biogenesis of lysosomal organelles complex 1 subunit 6; plus strand). Cytogenetic location: 15q21.1.
Variant type: Deletion.
Coding change: c.83-45del on transcript NM_012388.4 (MANE Select); 45 bases into the intron before coding-DNA position 83, one base deleted (T; older notation c.83-45delT).
Molecular consequence: intron variant.
Genome position (GRCh38, 1-based): chr15:45,592,090, T deleted. VCF-style (leftmost placement, unchanged base first): chr15-45592089-AT-A. GRCh37 (hg19) VCF-style: chr15-45884287-AT-A.
Other names: c.98-45del (NM_001311255.1, NM_001311256.1).
Identifiers: ClinVar variation 4813937 (VCV004813937.1).